The following is an entry in ClinVar:

NM_000284.4(PDHA1):c.905_927inv (p.Arg302_Glu309delinsLeuProGluPheLeuLeuValTyr)

Gene: PDHA1 (pyruvate dehydrogenase E1 subunit alpha 1; plus strand). Cytogenetic location: Xp22.12.
Variant type: Inversion.
Coding change: c.905_927inv on transcript NM_000284.4 (MANE Select).
Protein change: p.Arg302_Glu309delinsLeuProGluPheLeuLeuValTyr.
Molecular consequence: missense variant.
Genome position: GRCh38: chrX:19,358,921-19,358,943. GRCh37 (hg19): chrX:19,377,039-19,377,061.
Other names: c.1019_1041inv, p.Arg340_Glu347delinsLeuProGluPheLeuLeuValTyr (NM_001173454.2); c.926_948inv, p.Arg309_Glu316delinsLeuProGluPheLeuLeuValTyr (NM_001173455.2); c.812_834inv, p.Arg271_Glu278delinsLeuProGluPheLeuLeuValTyr (NM_001173456.2).
Identifiers: ClinVar variation 4070398 (VCV004070398.1).

ClinVar aggregate classification (germline): Likely pathogenic (0 of 4 stars; one submission).

Conditions:
Pyruvate dehydrogenase E1-alpha deficiency (PDHAD). Also called: ATAXIA, INTERMITTENT, WITH PYRUVATE DEHYDROGENASE DEFICIENCY; ATAXIA WITH LACTIC ACIDOSIS I; ATAXIA, INTERMITTENT, WITH ABNORMAL PYRUVATE METABOLISM; Ataxia, intermittent, with pyruvate dehydrogenase, or decarboxylase, deficiency. Identifiers: Orphanet 79243, MedGen C1839413, MONDO:0010717, OMIM 312170.

Submission:

PDHA1 Study Group, University Children’s Hospital, Paracelsus Medical University
Classification: Likely pathogenic for Pyruvate dehydrogenase E1-alpha deficiency. Last evaluated: 2024-10-15. Review status: no assertion criteria provided. Collection method: research. Allele origin: germline. Affected: yes. Observed: 1 variant allele.
Comment: The NM_000284.3:c.905_927inv (p.Arg302_Glu309delinsLeuProGluPheLeuLeuValTyr) substitution is a missense variant in PDHA1 gene. Last literature search: July 12, 2024. This variant is absent or extremely rare in population-based cohorts in the Genome Aggregation Database (gnomAD). Individuals harboring this variant presented with clinical features compatible with PDHA1-related PDHc deficiency. In summary, this variant meets criteria to be classified as likely pathogenic (LP) for PDHA1-related PDHc deficiency based on the ACMG/AMP criteria applied: PS3, PM2, PM7 (last assessment October 15, 2024).

Literature cited by the submitters: DOI 10.1093/brain/awaf430.